The following is an entry in ClinVar:

NM_003579.4(RAD54L):c.325C>A (p.Leu109Ile)

Gene: RAD54L (RAD54 like; plus strand). Cytogenetic location: 1p34.1.
Variant type: single nucleotide variant.
Coding change: c.325C>A on transcript NM_003579.4 (MANE Select); coding-DNA position 325, C replaced by A.
Protein change: p.Leu109Ile; replaces leucine 109 with isoleucine.
Molecular consequence: missense variant. On other transcripts: 5 prime UTR variant (1).
Genome position (GRCh38, 1-based): chr1:46,260,017, C>A. VCF-style: chr1-46260017-C-A. GRCh37 (hg19) VCF-style: chr1-46725689-C-A.
Other names: c.325C>A, p.Leu109Ile (NM_001142548.2); c.-216C>A (NM_001370766.1); short protein forms L109I.
Identifiers: ClinVar variation 1729504 (VCV001729504.3), dbSNP rs1392450325, ClinGen allele CA340182076.

ClinVar aggregate classification (germline): Uncertain significance (1 of 4 stars; one submission).

Allele frequency attached by ClinVar (database versions not stated): gnomAD exomes below 0.00001; TOPMed below 0.00001.
gnomAD v4.1: 3 of 1,614,182 alleles (0.00019%); highest among the groups gnomAD compares: African/African-American, 0.0013%; no homozygotes.

Submission:

Ambry Genetics
Classification: Uncertain significance. Last evaluated: 2024-05-22. Review status: criteria provided, single submitter. Criteria: Ambry Variant Classification Scheme 2023. Collection method: clinical testing. Allele origin: germline.
Comment: The p.L109I variant (also known as c.325C>A), located in coding exon 5 of the RAD54L gene, results from a C to A substitution at nucleotide position 325. The leucine at codon 109 is replaced by isoleucine, an amino acid with highly similar properties. This amino acid position is conserved. In addition, the in silico prediction for this alteration is inconclusive. Since supporting evidence is limited at this time, the clinical significance of this alteration remains unclear.